The following is an entry in ClinVar:

GRCh38/hg38 7q21.11-21.13(chr7:78043678-90024455)x1

Genes: ABCB1 (ATP binding cassette subfamily B member 1; minus strand), ABCB4 (ATP binding cassette subfamily B member 4; minus strand), ADAM22 (ADAM metallopeptidase domain 22; plus strand), CACNA2D1 (calcium voltage-gated channel auxiliary subunit alpha2delta 1; minus strand), CACNA2D1-AS1 (CACNA2D1 antisense RNA 1; plus strand) and 126 more. Cytogenetic location: 7q21.11-21.13.
Variant type: copy number loss.
Change: copy number 1 (one copy instead of two) of chr7:78,043,678-90,024,455 (11.98 Mb, GRCh38 coordinates, 1-based), cytogenetic band 7q21.11-21.13.
Identifiers: ClinVar variation 5038320 (VCV005038320.1).

ClinVar aggregate classification (germline): Pathogenic (1 of 4 stars; one submission).

Submission:

Clinical Genomics Laboratory, Laboratory for Precision Diagnostics, University of Washington
Classification: Pathogenic. Last evaluated: 2026-01-05. Review status: criteria provided, single submitter. Criteria: ACMG/ClinGen CNV Guidelines, 2019. Collection method: clinical testing. Allele origin: unknown. Affected: yes. Observed: 1 variant allele.
Comment: This interstitial deletion is approximately 12 Mb in size and contains 26 protein-coding genes including, but not limited to, ABCB4, CACNA2D1 and PCLO. This deletion removes one copy of ABCB4. Partial and entire ABCB4 deletions have been reported in multiple people with a wide range of liver diseases, including low phospholipid-associated cholelithiasis (OMIM 600803), and intrahepatic cholestasis of pregnancy/contraceptive-induced cholestasis (OMIM 614972). Deletions overlapping this region are uncommon but have been reported. Features shared by people with deletions of this region include developmental delay, intellectual disability, autistic behavior, and frequently epilepsy. Examples include: PMID: 28240412: De novo 3.3 Mb deletion of 7q21.11 (GRCh38 chr7:79,622,282–82,919,619). PMID: 25074461, patient 2: 7.5 Mb de novo deletion (GRCh38 chr7:79,708,363–87,161,076). PMID: 22190369, patient T438: 3.9 Mb deletion (GRCh38 chr7:79,592,748–83,482,748) inherited from their affected mother. ClinVar variant VCV001527367.3 is a 7.2 Mb deletion of GRCh38 chr7:77,681,327-84,831,773 found in a person with autism and seizures.

Literature cited by the submitters: PubMed 23862039; PubMed 22190369; PubMed 28240412; PubMed 25074461.